The following is an entry in ClinVar:

ClinVar aggregate classification (germline): Uncertain significance (1 of 4 stars; one submission).

Allele frequency attached by ClinVar (database versions not stated): gnomAD exomes below 0.00001.
gnomAD v4.1: 2 of 1,613,278 alleles (0.00012%); highest among the groups gnomAD compares: Non-Finnish European, 0.00017%; no homozygotes.

Submission:

Labcorp Genetics (formerly Invitae), Labcorp
Classification: Uncertain significance. Last evaluated: 2023-09-27. Review status: criteria provided, single submitter. Criteria: Invitae Variant Classification Sherloc (09022015). Collection method: clinical testing. Allele origin: germline.
Comment: This variant has not been reported in the literature in individuals affected with PLA2G5-related conditions. This variant is not present in population databases (gnomAD no frequency). This sequence change creates a premature translational stop signal (p.Trp92*) in the PLA2G5 gene. While this is not anticipated to result in nonsense mediated decay, it is expected to disrupt the last 47 amino acid(s) of the PLA2G5 protein. In summary, the available evidence is currently insufficient to determine the role of this variant in disease. Therefore, it has been classified as a Variant of Uncertain Significance.

NM_000929.3(PLA2G5):c.276G>A (p.Trp92Ter)

Gene: PLA2G5 (phospholipase A2 group V; plus strand). Cytogenetic location: 1p36.13.
Variant type: single nucleotide variant.
Coding change: c.276G>A on transcript NM_000929.3 (MANE Select); coding-DNA position 276, G replaced by A.
Protein change: p.Trp92Ter; replaces tryptophan 92 with a stop codon.
Molecular consequence: nonsense.
Genome position (GRCh38, 1-based): chr1:20,089,879, G>A. VCF-style: chr1-20089879-G-A. GRCh37 (hg19) VCF-style: chr1-20416372-G-A.
Other names: short protein forms W92*.
Identifiers: ClinVar variation 2966542 (VCV002966542.3), dbSNP rs2100648364, ClinGen allele CA338822230.